The following is an entry in ClinVar:

NM_024513.4(FYCO1):c.3890C>T (p.Ser1297Phe)

Gene: FYCO1 (FYVE and coiled-coil domain autophagy adaptor 1; minus strand). Cytogenetic location: 3p21.31.
Variant type: single nucleotide variant.
Coding change: c.3890C>T on transcript NM_024513.4 (MANE Select); coding-DNA position 3890, C replaced by T.
Protein change: p.Ser1297Phe; replaces serine 1297 with phenylalanine.
Molecular consequence: missense variant.
Genome position (GRCh38, 1-based): chr3:45,955,303, G>A on the plus strand (C>T on the coding strand, the complement: FYCO1 is on the minus strand). VCF-style: chr3-45955303-G-A. GRCh37 (hg19) VCF-style: chr3-45996795-G-A.
Other names: short protein forms S1297F.
Identifiers: ClinVar variation 835238 (VCV000835238.6), dbSNP rs1705246252, ClinGen allele CA352446872.
Genomic context (GRCh38, chr3:45,955,303, plus strand): 5'-ACTCACTGTTCAGCCGCATTTGGGTCGAGAGAATCAGTTTCAGTGGGTGTTTCAGGCAAA[G>A]AGGAGCCGGACTCCTGTATCTGGCACAATTCCTCATCTGTGATGATATCAAACACAGCGT-3'
Protein context (NP_078789.2, residues 1287-1307): ELCQIQESGS[Ser1297Phe]LPETPTETDS

ClinVar aggregate classification (germline): Uncertain significance (1 of 4 stars; one submission).

Conditions:
Cataract 18 (CATC2). Also called: CATARACT 18, AUTOSOMAL RECESSIVE. Identifiers: Orphanet 91492, Orphanet 98991, Orphanet 98992, Orphanet 98995, MedGen C1864908, MONDO:0012395, OMIM 610019.

Allele frequency attached by ClinVar (database versions not stated): gnomAD exomes 0.00001.
gnomAD v4.1: 4 of 1,614,178 alleles (0.00025%); highest among the groups gnomAD compares: East Asian, 0.0089%; no homozygotes.

Submission:

Labcorp Genetics (formerly Invitae), Labcorp
Classification: Uncertain significance for Cataract 18. Last evaluated: 2019-03-13. Review status: criteria provided, single submitter. Criteria: Invitae Variant Classification Sherloc (09022015). Collection method: clinical testing. Allele origin: germline.
Comment: In summary, the available evidence is currently insufficient to determine the role of this variant in disease. Therefore, it has been classified as a Variant of Uncertain Significance. Algorithms developed to predict the effect of missense changes on protein structure and function are either unavailable or do not agree on the potential impact of this missense change (SIFT: "Tolerated"; PolyPhen-2: "Probably Damaging"; Align-GVGD: "Class C0"). This variant has not been reported in the literature in individuals with FYCO1-related conditions. This variant is not present in population databases (ExAC no frequency). This sequence change replaces serine with phenylalanine at codon 1297 of the FYCO1 protein (p.Ser1297Phe). The serine residue is moderately conserved and there is a large physicochemical difference between serine and phenylalanine.